The following is an entry in ClinVar:

NM_004006.3(DMD):c.9225-3T>C

Gene: DMD (dystrophin; minus strand). Cytogenetic location: Xp21.2.
Variant type: single nucleotide variant.
Coding change: c.9225-3T>C on transcript NM_004006.3 (MANE Select); 3 bases into the intron before coding-DNA position 9225, T replaced by C.
Molecular consequence: intron variant.
Genome position (GRCh38, 1-based): chrX:31,261,019, A>G on the plus strand (T>C on the coding strand, the complement: DMD is on the minus strand). VCF-style: chrX-31261019-A-G. GRCh37 (hg19) VCF-style: chrX-31279136-A-G.
Other names: c.9201-3T>C (NM_000109.4); c.5202-3T>C (NM_004011.4); c.5193-3T>C (NM_004012.4); c.1845-3T>C (NM_004023.3, NM_004020.4, NM_004022.3 and 2 more transcripts); c.1038-3T>C (NM_004014.3); c.21-3T>C (NM_004018.3, NM_004017.3, NM_004016.3 and 2 more transcripts); c.9213-3T>C (NM_004009.3); c.8856-3T>C (NM_004010.3).
Identifiers: ClinVar variation 4781814 (VCV004781814.1).

ClinVar aggregate classification (germline): Uncertain significance (1 of 4 stars; one submission).

Conditions:
Duchenne muscular dystrophy (DMD). Also called: MUSCULAR DYSTROPHY, PSEUDOHYPERTROPHIC PROGRESSIVE, DUCHENNE TYPE; Duchenne Muscular Dystrophy (DMD). Identifiers: Orphanet 98896, MedGen C0013264, MONDO:0010679, OMIM 310200.

Submission:

Labcorp Genetics (formerly Invitae), Labcorp
Classification: Uncertain significance for Duchenne muscular dystrophy. Last evaluated: 2025-06-14. Review status: criteria provided, single submitter. Criteria: Invitae Variant Classification Sherloc (09022015). Collection method: clinical testing. Allele origin: germline.
Comment: This sequence change falls in intron 62 of the DMD gene. It does not directly change the encoded amino acid sequence of the DMD protein. It affects a nucleotide within the consensus splice site. This variant is not present in population databases (gnomAD no frequency). This variant has not been reported in the literature in individuals affected with DMD-related conditions. Variants that disrupt the consensus splice site are a relatively common cause of aberrant splicing (PMID: 17576681, 9536098). Algorithms developed to predict the effect of sequence changes on RNA splicing suggest that this variant is not likely to affect RNA splicing. In summary, the available evidence is currently insufficient to determine the role of this variant in disease. Therefore, it has been classified as a Variant of Uncertain Significance.

Literature cited by the submitters: PubMed 17576681; PubMed 9536098.